The following is an entry in ClinVar:

ClinVar aggregate classification (germline): Uncertain significance. Review status: criteria provided, multiple submitters, no conflicts (2 of 4 stars). 3 submissions from 3 submitters: Uncertain significance (3). Last evaluated 2024-12-22.

Conditions:
Inborn genetic diseases. Identifiers: MedGen C0950123, MeSH D030342.
Nance-Horan syndrome (NHS). Identifiers: Orphanet 627, MedGen C0796085, MONDO:0010545, OMIM 302350.

Allele frequency attached by ClinVar (database versions not stated): gnomAD exomes below 0.00001.
gnomAD v4.1: 3 of 1,211,214 alleles (0.00025%); highest among the groups gnomAD compares: South Asian, 0.0035%; no homozygotes.

Submissions (3):

Ambry Genetics
Classification: Uncertain significance for Inborn genetic diseases. Last evaluated: 2024-12-22. Review status: criteria provided, single submitter. Criteria: Ambry Variant Classification Scheme 2023. Collection method: clinical testing. Allele origin: germline.

Labcorp Genetics (formerly Invitae), Labcorp
Classification: Uncertain significance for Nance-Horan syndrome. Last evaluated: 2023-10-16. Review status: criteria provided, single submitter. Criteria: Invitae Variant Classification Sherloc (09022015). Collection method: clinical testing. Allele origin: germline.
Comment: This sequence change replaces tyrosine, which is neutral and polar, with cysteine, which is neutral and slightly polar, at codon 203 of the NHS protein (p.Tyr203Cys). This variant is not present in population databases (gnomAD no frequency). This variant has not been reported in the literature in individuals affected with NHS-related conditions. Advanced modeling of protein sequence and biophysical properties (such as structural, functional, and spatial information, amino acid conservation, physicochemical variation, residue mobility, and thermodynamic stability) performed at Invitae indicates that this missense variant is expected to disrupt NHS protein function. In summary, the available evidence is currently insufficient to determine the role of this variant in disease. Therefore, it has been classified as a Variant of Uncertain Significance.

Blueprint Genetics
Classification: Uncertain significance. Last evaluated: 2023-09-07. Review status: criteria provided, single submitter. Criteria: ACMG Guidelines, 2015. Collection method: clinical testing. Allele origin: germline.

NM_001291867.2(NHS):c.608A>G (p.Tyr203Cys)

Gene: NHS (NHS actin remodeling regulator; plus strand). Cytogenetic location: Xp22.13.
Variant type: single nucleotide variant.
Coding change: c.608A>G on transcript NM_001291867.2 (MANE Select); coding-DNA position 608, A replaced by G.
Protein change: p.Tyr203Cys; replaces tyrosine 203 with cysteine.
Molecular consequence: missense variant.
Genome position (GRCh38, 1-based): chrX:17,687,784, A>G. VCF-style: chrX-17687784-A-G. GRCh37 (hg19) VCF-style: chrX-17705904-A-G.
Other names: c.608A>G (NM_198270.2); c.77A>G, p.Tyr26Cys (NM_001136024.4, NM_001291868.2); c.608A>G, p.Tyr203Cys (NM_198270.4); short protein forms Y26C, Y203C.
Identifiers: ClinVar variation 2788697 (VCV002788697.4), dbSNP rs2519878045, ClinGen allele CA412324307.